The following is an entry in ClinVar:

NM_005732.4(RAD50):c.3187A>T (p.Asn1063Tyr)

Gene: RAD50 (RAD50 double strand break repair protein; plus strand). Cytogenetic location: 5q31.1.
Variant type: single nucleotide variant.
Coding change: c.3187A>T on transcript NM_005732.4 (MANE Select); coding-DNA position 3187, A replaced by T.
Protein change: p.Asn1063Tyr; replaces asparagine 1063 with tyrosine.
Molecular consequence: missense variant.
Genome position (GRCh38, 1-based): chr5:132,618,092, A>T. VCF-style: chr5-132618092-A-T. GRCh37 (hg19) VCF-style: chr5-131953784-A-T.
Other names: short protein forms N1063Y.
Identifiers: ClinVar variation 233201 (VCV000233201.9), dbSNP rs876660257, ClinGen allele CA10578594.

ClinVar aggregate classification (germline): Uncertain significance. Review status: criteria provided, multiple submitters, no conflicts (2 of 4 stars). 2 submissions from 2 submitters: Uncertain significance (2). Last evaluated 2024-12-08.

Conditions:
Hereditary cancer-predisposing syndrome. Also called: Neoplastic Syndromes, Hereditary; Tumor predisposition; Hereditary Cancer Syndrome; Hereditary neoplastic syndrome. Identifiers: Orphanet 140162, MedGen C0027672, MeSH D009386, MONDO:0015356.

Allele frequency attached by ClinVar (database versions not stated): TOPMed below 0.00001.

Submissions (2):

Ambry Genetics
Classification: Uncertain significance for Hereditary cancer-predisposing syndrome. Last evaluated: 2024-12-08. Review status: criteria provided, single submitter. Criteria: Ambry Variant Classification Scheme 2023. Collection method: clinical testing. Allele origin: germline.
Comment: The p.N1063Y variant (also known as c.3187A>T), located in coding exon 21 of the RAD50 gene, results from an A to T substitution at nucleotide position 3187. The asparagine at codon 1063 is replaced by tyrosine, an amino acid with dissimilar properties. This amino acid position is poorly conserved in available vertebrate species. In addition, this alteration is predicted to be tolerated by in silico analysis. Since supporting evidence is limited at this time, the clinical significance of this alteration remains unclear.

Labcorp Genetics (formerly Invitae), Labcorp
Classification: Uncertain significance for Hereditary cancer-predisposing syndrome. Last evaluated: 2023-05-11. Review status: criteria provided, single submitter. Criteria: Invitae Variant Classification Sherloc (09022015). Collection method: clinical testing. Allele origin: germline.
Comment: In summary, the available evidence is currently insufficient to determine the role of this variant in disease. Therefore, it has been classified as a Variant of Uncertain Significance. Advanced modeling of protein sequence and biophysical properties (such as structural, functional, and spatial information, amino acid conservation, physicochemical variation, residue mobility, and thermodynamic stability) performed at Invitae indicates that this missense variant is not expected to disrupt RAD50 protein function. ClinVar contains an entry for this variant (Variation ID: 233201). This variant has not been reported in the literature in individuals affected with RAD50-related conditions. This variant is not present in population databases (gnomAD no frequency). This sequence change replaces asparagine, which is neutral and polar, with tyrosine, which is neutral and polar, at codon 1063 of the RAD50 protein (p.Asn1063Tyr).